The following is an entry in ClinVar:

NM_000900.5(MGP):c.*755G>T

Genes: MGP (matrix Gla protein; minus strand), LOC126861465 (CDK7 strongly-dependent group 2 enhancer GRCh37_chr12:15033676-15034875; plus strand). Cytogenetic location: 12p12.3.
Variant type: single nucleotide variant.
Coding change: c.*755G>T on transcript NM_000900.5 (MANE Select); 755 bases downstream of the stop codon, G replaced by T.
Molecular consequence: 3 prime UTR variant.
Genome position (GRCh38, 1-based): chr12:14,881,384, C>A on the plus strand (G>T on the coding strand, the complement: MGP is on the minus strand). VCF-style: chr12-14881384-C-A. GRCh37 (hg19) VCF-style: chr12-15034318-C-A.
Other names: c.*755G>T (NM_001190839.3).
Identifiers: ClinVar variation 307756 (VCV000307756.5), dbSNP rs142773584, ClinGen allele CA10636901.

ClinVar aggregate classification (germline): Benign (1 of 4 stars; one submission).

Conditions:
Keutel syndrome (KTLS). Identifiers: Orphanet 85202, MedGen C1855607, MONDO:0009495, OMIM 245150.

Allele frequency attached by ClinVar (database versions not stated): 1000 Genomes Project 30x 0.00953; 1000 Genomes Project 0.00978; TOPMed 0.00986.

Submission:

Illumina Laboratory Services, Illumina
Classification: Benign for Keutel syndrome. Last evaluated: 2018-01-12. Review status: criteria provided, single submitter. Criteria: ICSL Variant Classification Criteria 13 December 2019. Collection method: clinical testing. Allele origin: germline.
Comment: This variant was observed in the ICSL laboratory as part of a predisposition screen in an ostensibly healthy population. It had not been previously curated by ICSL or reported in the Human Gene Mutation Database (HGMD: prior to June 1st, 2018), and was therefore a candidate for classification through an automated scoring system. Utilizing variant allele frequency, disease prevalence and penetrance estimates, and inheritance mode, an automated score was calculated to assess if this variant is too frequent to cause the disease. Based on the score and internal cut-off values, a variant classified as benign is not then subjected to further curation. The score for this variant resulted in a classification of benign for this disease.